The following is an entry in ClinVar:

ClinVar aggregate classification (germline): Uncertain significance (1 of 4 stars; one submission).

Allele frequency attached by ClinVar (database versions not stated): ExAC 0.00001; gnomAD exomes 0.00001.
gnomAD v4.1: 5 of 1,614,120 alleles (0.00031%); highest among the groups gnomAD compares: Middle Eastern, 0.033%; 1 homozygote.

Submission:

Labcorp Genetics (formerly Invitae), Labcorp
Classification: Uncertain significance. Last evaluated: 2022-08-23. Review status: criteria provided, single submitter. Criteria: Invitae Variant Classification Sherloc (09022015). Collection method: clinical testing. Allele origin: germline.
Comment: In summary, the available evidence is currently insufficient to determine the role of this variant in disease. Therefore, it has been classified as a Variant of Uncertain Significance. Algorithms developed to predict the effect of missense changes on protein structure and function (SIFT, PolyPhen-2, Align-GVGD) all suggest that this variant is likely to be tolerated. ClinVar contains an entry for this variant (Variation ID: 1510240). This variant has not been reported in the literature in individuals affected with ANKH-related conditions. This variant is present in population databases (rs772273950, gnomAD 0.003%). This sequence change replaces asparagine, which is neutral and polar, with aspartic acid, which is acidic and polar, at codon 347 of the ANKH protein (p.Asn347Asp).

NM_054027.6(ANKH):c.1039A>G (p.Asn347Asp)

Gene: ANKH (ANKH inorganic pyrophosphate transport regulator; minus strand). Cytogenetic location: 5p15.2.
Variant type: single nucleotide variant.
Coding change: c.1039A>G on transcript NM_054027.6 (MANE Select); coding-DNA position 1039, A replaced by G.
Protein change: p.Asn347Asp; replaces asparagine 347 with aspartic acid.
Molecular consequence: missense variant.
Genome position (GRCh38, 1-based): chr5:14,716,808, T>C on the plus strand (A>G on the coding strand, the complement: ANKH is on the minus strand). VCF-style: chr5-14716808-T-C. GRCh37 (hg19) VCF-style: chr5-14716917-T-C.
Other names: short protein forms N347D.
Identifiers: ClinVar variation 1510240 (VCV001510240.8), dbSNP rs772273950, ClinGen allele CA3208934.